The following is an entry in ClinVar:

ClinVar aggregate classification (germline): Uncertain significance (1 of 4 stars; one submission).

Conditions:
Aortic aneurysm, familial thoracic 4 (AAT4). Also called: AORTIC ANEURYSM/AORTIC DISSECTION AND PATENT DUCTUS ARTERIOSUS. Identifiers: MedGen C1851504, MONDO:0007568, OMIM 132900.

Submission:

Labcorp Genetics (formerly Invitae), Labcorp
Classification: Uncertain significance for Aortic aneurysm, familial thoracic 4. Last evaluated: 2022-03-11. Review status: criteria provided, single submitter. Criteria: Invitae Variant Classification Sherloc (09022015). Collection method: clinical testing. Allele origin: germline.
Comment: In summary, the available evidence is currently insufficient to determine the role of this variant in disease. Therefore, it has been classified as a Variant of Uncertain Significance. Experimental studies and prediction algorithms are not available or were not evaluated, and the functional significance of this variant is currently unknown. This variant has not been reported in the literature in individuals affected with MYH11-related conditions. This variant is a gross deletion of the genomic region encompassing exon(s) 30-41 of the MYH11 gene. While this deletion is not anticipated to lead to nonsense mediated decay, it is expected to disrupt the C-terminus of the protein.

NC_000016.9:g.(?_15808746)_(15818869_?)del

Genes: NDE1 (nudE neurodevelopment protein 1; plus strand), MYH11 (myosin heavy chain 11; minus strand). Cytogenetic location: 16p13.11.
Variant type: Deletion.
Identifiers: ClinVar variation 2423554 (VCV002423554.3).